The following is an entry in ClinVar:

ClinVar aggregate classification (germline): Conflicting classifications of pathogenicity. Review status: criteria provided, conflicting classifications (1 of 4 stars). 13 submissions from 13 submitters: Uncertain significance (3); Likely benign (8). 2 of the submissions do not count toward it. Last evaluated 2026-01-31.

Conditions:
BRCA2-related cancer predisposition. Identifiers: MedGen CN377758, MONDO:0700269.
BRCA2-related disorder. Also called: BRCA2-related condition; BRCA2-related disorders. Identifiers: MedGen CN239275.
Hereditary breast ovarian cancer syndrome. Also called: Hereditary breast and ovarian cancer; Hereditary breast and ovarian cancer syndrome (HBOC); Hereditary breast and ovarian cancer syndrome; BRCA1- and BRCA2-Associated Hereditary Breast and Ovarian Cancer; Breast and ovarian cancer; Hereditary breast and/or ovarian cancer syndrome. Identifiers: Orphanet 145, MedGen C0677776, MeSH D061325, MONDO:0003582. Disease mechanism: loss of function.
Hereditary cancer-predisposing syndrome. Also called: Tumor predisposition; Neoplastic Syndromes, Hereditary; Hereditary neoplastic syndrome; Hereditary Cancer Syndrome. Identifiers: Orphanet 140162, MedGen C0027672, MeSH D009386, MONDO:0015356.
Breast-ovarian cancer, familial, susceptibility to, 2 (BROVCA2). Also called: BRCA2 Hereditary Breast and Ovarian Cancer. Identifiers: Orphanet 145, MedGen C2675520, MONDO:0012933, OMIM 612555. Disease mechanism: loss of function.

Allele frequency attached by ClinVar (database versions not stated): gnomAD exomes below 0.00001 and 0.00001; ExAC 0.00001; gnomAD 0.00005 and 0.00006; TOPMed 0.00007; ESP Exome Variant Server 0.00008.
gnomAD v4.1: 15 of 1,611,606 alleles (0.00093%); highest among the groups gnomAD compares: African/African-American, 0.017%; no homozygotes.

Submissions (13):

Labcorp Genetics (formerly Invitae), Labcorp
Classification: Likely benign for Hereditary breast ovarian cancer syndrome. Last evaluated: 2026-01-31. Review status: criteria provided, single submitter. Criteria: Invitae Variant Classification Sherloc (09022015). Collection method: clinical testing. Allele origin: germline.

Women's Health and Genetics/Laboratory Corporation of America, LabCorp
Classification: Likely benign. Last evaluated: 2025-09-02. Review status: criteria provided, single submitter. Criteria: LabCorp Variant Classification Summary - May 2015. Collection method: clinical testing. Allele origin: germline.
Comment: Variant summary: BRCA2 c.3715A>G (p.Lys1239Glu) results in a conservative amino acid change in the encoded protein sequence. Algorithms developed to predict the effect of missense changes on protein structure and function all suggest that this variant is likely to be tolerated. The variant allele was found at a frequency of 8e-06 in 249020 control chromosomes (gnomAD). The available data on variant occurrences in the general population are insufficient to allow any conclusion about variant significance. To our knowledge, no occurrence of c.3715A>G in individuals affected with BRCA2-related conditions and no experimental evidence demonstrating its impact on protein function have been reported. ClinVar contains an entry for this variant (Variation ID: 156167). Based on the evidence outlined above, the variant was classified as likely benign.

Center for Genomic Medicine, Rigshospitalet, Copenhagen University Hospital
Classification: Uncertain significance. Last evaluated: 2025-03-04. Review status: criteria provided, single submitter. Criteria: ACMG Guidelines, 2015. Collection method: clinical testing. Allele origin: germline.

Quest Diagnostics Nichols Institute San Juan Capistrano
Classification: Uncertain significance. Last evaluated: 2025-02-18. Review status: criteria provided, single submitter. Criteria: Quest Diagnostics criteria. Collection method: clinical testing. Allele origin: unknown.
Comment: The BRCA2 c.3715A>G (p.Lys1239Glu) variant has been reported in the published literature to be located in a region of the BRCA2 gene that is tolerant to missense sequence changes (PMID: 31911673 (2020)). The frequency of this variant in the general population (Genome Aggregation Database) is uninformative in the assessment of its pathogenicity. Analysis of this variant using bioinformatics tools for the prediction of the effect of amino acid changes on protein structure and function yielded predictions that this variant is benign. Based on the available information, we are unable to determine the clinical significance of this variant.

All of Us Research Program, National Institutes of Health
Classification: Likely benign for BRCA2-related cancer predisposition. Last evaluated: 2024-07-29. Review status: criteria provided, single submitter. Criteria: ACMG Guidelines, 2015. Collection method: clinical testing. Allele origin: germline. Inheritance: Autosomal dominant inheritance. Observed: 3 variant alleles, 3 heterozygotes.
Comment: This study involves interpretation of variants in research participants for the purpose of population health screening. Participant phenotype was not available at the time of variant classification. Additional details can be found in publication PMID: 35346344, PMCID: PMC8962531

University of Washington Department of Laboratory Medicine, University of Washington
Classification: Likely benign for Hereditary cancer-predisposing syndrome. Last evaluated: 2023-03-23. Review status: criteria provided, single submitter. Criteria: Dines et al. (Genet Med. 2020). Collection method: curation. Allele origin: germline.
Comment: Missense variant in a coldspot region where missense variants are very unlikely to be pathogenic (PMID:31911673).

BRCA2 exon 11 coldspot. Reclassification based on statistical prior probability.

GeneDx
Classification: Likely benign. Last evaluated: 2021-06-15. Review status: criteria provided, single submitter. Criteria: GeneDx Variant Classification Process June 2021. Collection method: clinical testing. Allele origin: germline. Affected: yes.

Department of Pathology and Laboratory Medicine, Sinai Health System
Classification: Uncertain significance for BRCA2-related cancer predisposition. Last evaluated: 2019-11-14. Review status: criteria provided, single submitter. Criteria: ACMG Guidelines, 2015. Collection method: clinical testing. Allele origin: germline. Affected: yes.

Ambry Genetics
Classification: Likely benign for Hereditary cancer-predisposing syndrome. Last evaluated: 2019-09-16. Review status: criteria provided, single submitter. Criteria: Ambry Variant Classification Scheme 2023. Collection method: clinical testing. Allele origin: germline.

Mendelics
Classification: Likely benign for Breast-ovarian cancer, familial, susceptibility to, 2. Last evaluated: 2019-05-28. Review status: criteria provided, single submitter. Criteria: Mendelics Assertion Criteria 2017. Collection method: clinical testing. Allele origin: unknown.

Color Diagnostics, LLC DBA Color Health
Classification: Likely benign for Hereditary cancer-predisposing syndrome. Last evaluated: 2017-03-23. Review status: criteria provided, single submitter. Criteria: ACMG Guidelines, 2015. Collection method: clinical testing. Allele origin: germline.

PreventionGenetics, part of Exact Sciences
Classification: Likely benign for BRCA2-related condition. Last evaluated: 2024-01-19. Review status: no assertion criteria provided. Collection method: clinical testing. Allele origin: germline. Not counted in ClinVar's aggregate classification.
Comment: This variant is classified as likely benign based on ACMG/AMP sequence variant interpretation guidelines (Richards et al. 2015 PMID: 25741868, with internal and published modifications).

Sharing Clinical Reports Project (SCRP)
Classification: Benign for Breast-ovarian cancer, familial 2. Last evaluated: 2012-05-29. Review status: no assertion criteria provided. Collection method: clinical testing. Allele origin: germline. Not counted in ClinVar's aggregate classification.

Literature cited by the submitters: PubMed 31911673 (cited by Quest Diagnostics Nichols Institute San Juan Capistrano).

NM_000059.4(BRCA2):c.3715A>G (p.Lys1239Glu)

Gene: BRCA2 (BRCA2 DNA repair associated; plus strand). Cytogenetic location: 13q13.1.
Variant type: single nucleotide variant.
Coding change: c.3715A>G on transcript NM_000059.4 (MANE Select); coding-DNA position 3715, A replaced by G.
Protein change: p.Lys1239Glu; replaces lysine 1239 with glutamic acid.
Molecular consequence: missense variant.
Genome position (GRCh38, 1-based): chr13:32,338,070, A>G. VCF-style: chr13-32338070-A-G. GRCh37 (hg19) VCF-style: chr13-32912207-A-G.
Other names: p.K1239E:AAA>GAA; 3943A>G; short protein forms K1239E.
Identifiers: ClinVar variation 156167 (VCV000156167.36), dbSNP rs374191973, ClinGen allele CA018644.